The following is an entry in ClinVar:

NM_198968.4(DZIP1):c.72C>A (p.Ser24Arg)

Gene: DZIP1 (DAZ interacting zinc finger protein 1; minus strand). Cytogenetic location: 13q32.1.
Variant type: single nucleotide variant.
Coding change: c.72C>A on transcript NM_198968.4 (MANE Select); coding-DNA position 72, C replaced by A.
Protein change: p.Ser24Arg; replaces serine 24 with arginine.
Molecular consequence: missense variant.
Genome position (GRCh38, 1-based): chr13:95,641,820, G>T on the plus strand (C>A on the coding strand, the complement: DZIP1 is on the minus strand). VCF-style: chr13-95641820-G-T. GRCh37 (hg19) VCF-style: chr13-96294074-G-T.
Other names: S24R; c.72C>A, p.Ser24Arg (NM_014934.5); c.72C>A (NM_198968.3).
Identifiers: ClinVar variation 984961 (VCV000984961.4), dbSNP rs1378714230, ClinGen allele CA388508768.

ClinVar aggregate classification (germline): Uncertain significance. Review status: criteria provided, single submitter (1 of 4 stars). 3 submissions from 3 submitters: Uncertain significance (1). 2 of the submissions do not count toward it. Last evaluated 2022-06-08.

Conditions:
DZIP1-related disorder. Also called: DZIP1-related condition.
Mitral valve prolapse, myxomatous 3. Also called: Mitral valve prolapse 3; MMVP3. Identifiers: MedGen C1835814, MONDO:0012569, OMIM 610840.
Spermatogenic failure 47. Identifiers: MedGen C5436818, MONDO:0030844, OMIM 619102.

Allele frequency attached by ClinVar (database versions not stated): gnomAD 0.00002; TOPMed 0.00006.
gnomAD v4.1: 53 of 1,469,108 alleles (0.0036%); highest among the groups gnomAD compares: Admixed American, 0.0083%; no homozygotes.

Submissions (3):

Department of Pathology and Laboratory Medicine, Sinai Health System
Classification: Uncertain significance for spermatogenic failure 47. Last evaluated: 2022-06-08. Review status: criteria provided, single submitter. Criteria: ACMG Guidelines, 2015. Collection method: research. Allele origin: germline.

PreventionGenetics, part of Exact Sciences
Classification: Uncertain significance for DZIP1-related condition. Last evaluated: 2024-01-03. Review status: no assertion criteria provided. Collection method: clinical testing. Allele origin: germline. Not counted in ClinVar's aggregate classification.
Comment: The DZIP1 c.72C>A variant is predicted to result in the amino acid substitution p.Ser24Arg. This variant was reported to segregate with mitral valve prolapse in one family (Toomer et al. 2019. PubMed ID: 31118289). At this time, the clinical significance of this variant is uncertain due to the absence of conclusive functional and genetic evidence.

OMIM
Classification: Pathogenic for MITRAL VALVE PROLAPSE 3 (1 family). Last evaluated: 2020-11-17. Review status: no assertion criteria provided. Collection method: literature only. Allele origin: germline. Not counted in ClinVar's aggregate classification.

Literature cited by the submitters: PubMed 31118289 (cited by OMIM).